The following is an entry in ClinVar:

NM_021930.6(RINT1):c.1133T>C (p.Met378Thr)

Gene: RINT1 (RAD50 interactor 1; plus strand). Cytogenetic location: 7q22.3.
Variant type: single nucleotide variant.
Coding change: c.1133T>C on transcript NM_021930.6 (MANE Select); coding-DNA position 1133, T replaced by C.
Protein change: p.Met378Thr; replaces methionine 378 with threonine.
Molecular consequence: missense variant. On other transcripts: non-coding transcript variant (1).
Genome position (GRCh38, 1-based): chr7:105,550,286, T>C. VCF-style: chr7-105550286-T-C. GRCh37 (hg19) VCF-style: chr7-105190733-T-C.
Other names: c.899T>C, p.Met300Thr (NM_001346599.2); c.110T>C, p.Met37Thr (NM_001346600.2, NM_001346603.2); c.209T>C, p.Met70Thr (NM_001346601.2); short protein forms M300T, M378T, M37T, M70T.
Identifiers: ClinVar variation 1360216 (VCV001360216.11), dbSNP rs1172759384, ClinGen allele CA368808825.
Genomic context (GRCh38, chr7:105,550,286, plus strand): 5'-TTATTTACATACCTCATGTTTGTGTATTTTTTTAGCTTGAATTTTCTCGGGGCCTTATGA[T>C]GCTGGTTCTTGAGAAGTTAGCCACTGATATTCCTTGTCTGCTATATGATGACAATCTCTT-3'
Protein context (NP_068749.3, residues 368-388): ARLEFSRGLM[Met378Thr]LVLEKLATDI

ClinVar aggregate classification (germline): Uncertain significance. Review status: criteria provided, multiple submitters, no conflicts (2 of 4 stars). 2 submissions from 2 submitters: Uncertain significance (2). Last evaluated 2025-02-12.

Allele frequency attached by ClinVar (database versions not stated): gnomAD exomes below 0.00001; TOPMed below 0.00001; gnomAD 0.00001.
gnomAD v4.1: 3 of 1,614,026 alleles (0.00019%); highest among the groups gnomAD compares: Non-Finnish European, 0.00025%; no homozygotes.

Submissions (2):

Ambry Genetics
Classification: Uncertain significance. Last evaluated: 2025-02-12. Review status: criteria provided, single submitter. Criteria: Ambry Variant Classification Scheme 2023. Collection method: clinical testing. Allele origin: germline.
Comment: The p.M378T variant (also known as c.1133T>C), located in coding exon 9 of the RINT1 gene, results from a T to C substitution at nucleotide position 1133. The methionine at codon 378 is replaced by threonine, an amino acid with similar properties. This amino acid position is conserved. In addition, this alteration is predicted to be tolerated by in silico analysis. Since supporting evidence is limited at this time, the clinical significance of this alteration remains unclear.

Labcorp Genetics (formerly Invitae), Labcorp
Classification: Uncertain significance. Last evaluated: 2021-03-21. Review status: criteria provided, single submitter. Criteria: Invitae Variant Classification Sherloc (09022015). Collection method: clinical testing. Allele origin: germline.
Comment: In summary, the available evidence is currently insufficient to determine the role of this variant in disease. Therefore, it has been classified as a Variant of Uncertain Significance. Algorithms developed to predict the effect of missense changes on protein structure and function are either unavailable or do not agree on the potential impact of this missense change (SIFT: "Deleterious"; PolyPhen-2: "Benign"; Align-GVGD: "Class C0"). This variant has not been reported in the literature in individuals with RINT1-related conditions. This variant is not present in population databases (ExAC no frequency). This sequence change replaces methionine with threonine at codon 378 of the RINT1 protein (p.Met378Thr). The methionine residue is highly conserved and there is a moderate physicochemical difference between methionine and threonine.